The following is an entry in ClinVar:

NM_000037.4(ANK1):c.4792C>A (p.His1598Asn)

Gene: ANK1 (ankyrin 1; minus strand). Cytogenetic location: 8p11.21.
Variant type: single nucleotide variant.
Coding change: c.4792C>A on transcript NM_000037.4 (MANE Select); coding-DNA position 4792, C replaced by A.
Protein change: p.His1598Asn; replaces histidine 1598 with asparagine.
Molecular consequence: missense variant. On other transcripts: intron variant (1).
Genome position (GRCh38, 1-based): chr8:41,672,658, G>T on the plus strand (C>A on the coding strand, the complement: ANK1 is on the minus strand). VCF-style: chr8-41672658-G-T. GRCh37 (hg19) VCF-style: chr8-41530176-G-T.
Other names: c.4915C>A, p.His1639Asn (NM_001142446.2); c.4792C>A, p.His1598Asn (NM_020475.3, NM_020476.3); c.4538-232C>A (NM_020477.3); short protein forms H1598N, H1639N.
Identifiers: ClinVar variation 4994149 (VCV004994149.1).

ClinVar aggregate classification (germline): Uncertain significance (1 of 4 stars; one submission).

Conditions:
ANK1-related disorder. Also called: ANK1-related condition.

Submission:

PreventionGenetics, part of Exact Sciences
Classification: Uncertain significance for ANK1-related condition. Last evaluated: 2026-03-24. Review status: criteria provided, single submitter. Criteria: ACMG Guidelines, 2015. Collection method: clinical testing. Allele origin: germline.
Comment: The ANK1 c.4792C>A variant is predicted to result in the amino acid substitution p.His1598Asn. To our knowledge, this variant has not been reported in the literature or in a large population database (gnomAD), indicating this variant is rare. At this time, the clinical significance of this variant is uncertain due to the absence of conclusive functional and genetic evidence.